The following is an entry in ClinVar:

NM_001130438.3(SPTAN1):c.1765G>C (p.Val589Leu)

Gene: SPTAN1 (spectrin alpha, non-erythrocytic 1; plus strand). Cytogenetic location: 9q34.11.
Variant type: single nucleotide variant.
Coding change: c.1765G>C on transcript NM_001130438.3 (MANE Select); coding-DNA position 1765, G replaced by C.
Protein change: p.Val589Leu; replaces valine 589 with leucine.
Molecular consequence: missense variant.
Genome position (GRCh38, 1-based): chr9:128,582,808, G>C. VCF-style: chr9-128582808-G-C. GRCh37 (hg19) VCF-style: chr9-131345087-G-C.
Other names: c.1765G>C (NM_001130438.2); c.1765G>C, p.Val589Leu (NM_001195532.2, NM_001363759.2, NM_001363765.2 and 5 more transcripts); c.1801G>C, p.Val601Leu (NM_001375312.2, NM_001375318.1); short protein forms V589L, V601L.
Identifiers: ClinVar variation 2888501 (VCV002888501.4), dbSNP rs746961427, ClinGen allele CA5264501.

ClinVar aggregate classification (germline): Conflicting classifications of pathogenicity. Review status: criteria provided, conflicting classifications (1 of 4 stars). 2 submissions from 2 submitters: Uncertain significance (1); Likely benign (1). Last evaluated 2024-04-23.

Conditions:
Early-infantile DEE. Also called: Ohtahara syndrome; Early infantile epileptic encephalopathy; Early infantile epileptic encephalopathy with suppression bursts. Identifiers: Orphanet 1934, MedGen C0393706, MONDO:0800491.
Inborn genetic diseases. Identifiers: MedGen C0950123, MeSH D030342.

Allele frequency attached by ClinVar (database versions not stated): gnomAD exomes below 0.00001; ExAC 0.00002.

Submissions (2):

Ambry Genetics
Classification: Likely benign for Inborn genetic diseases. Last evaluated: 2024-04-23. Review status: criteria provided, single submitter. Criteria: Ambry Variant Classification Scheme 2023. Collection method: clinical testing. Allele origin: germline.

Labcorp Genetics (formerly Invitae), Labcorp
Classification: Uncertain significance for Early-infantile DEE. Last evaluated: 2023-08-19. Review status: criteria provided, single submitter. Criteria: Invitae Variant Classification Sherloc (09022015). Collection method: clinical testing. Allele origin: germline.
Comment: This sequence change replaces valine, which is neutral and non-polar, with leucine, which is neutral and non-polar, at codon 589 of the SPTAN1 protein (p.Val589Leu). In summary, the available evidence is currently insufficient to determine the role of this variant in disease. Therefore, it has been classified as a Variant of Uncertain Significance. Advanced modeling of protein sequence and biophysical properties (such as structural, functional, and spatial information, amino acid conservation, physicochemical variation, residue mobility, and thermodynamic stability) has been performed at Invitae for this missense variant, however the output from this modeling did not meet the statistical confidence thresholds required to predict the impact of this variant on SPTAN1 protein function. This variant has not been reported in the literature in individuals affected with SPTAN1-related conditions. This variant is present in population databases (rs746961427, gnomAD 0.02%).